The following is an entry in ClinVar:

NM_018003.4(UACA):c.972C>T (p.Val324=)

Gene: UACA (uveal autoantigen with coiled-coil domains and ankyrin repeats; minus strand). Cytogenetic location: 15q23.
Variant type: single nucleotide variant.
Coding change: c.972C>T on transcript NM_018003.4 (MANE Select); coding-DNA position 972, C replaced by T.
Protein change: p.Val324=; no amino-acid change (valine 324 retained).
Molecular consequence: synonymous variant.
Genome position (GRCh38, 1-based): chr15:70,678,126, G>A on the plus strand (C>T on the coding strand, the complement: UACA is on the minus strand). VCF-style: chr15-70678126-G-A. GRCh37 (hg19) VCF-style: chr15-70970465-G-A.
Other names: c.933C>T, p.Val311= (NM_001008224.3).
Identifiers: ClinVar variation 3052868 (VCV003052868.2), dbSNP rs61746369, ClinGen allele CA7637294.

ClinVar aggregate classification (germline): Likely benign (0 of 4 stars; one submission).

Conditions:
UACA-related disorder. Also called: UACA-related condition.

Allele frequency attached by ClinVar (database versions not stated): gnomAD exomes 0.00023; ExAC 0.00081; 1000 Genomes Project 30x 0.00156; 1000 Genomes Project 0.00180; ESP Exome Variant Server 0.00246; gnomAD 0.00273; TOPMed 0.00323.

Submission:

PreventionGenetics, part of Exact Sciences
Classification: Likely benign for UACA-related condition. Last evaluated: 2019-02-18. Review status: no assertion criteria provided. Collection method: clinical testing. Allele origin: germline.
Comment: This variant is classified as likely benign based on ACMG/AMP sequence variant interpretation guidelines (Richards et al. 2015 PMID: 25741868, with internal and published modifications).